The following is an entry in ClinVar:

ClinVar aggregate classification (germline): Uncertain significance (1 of 4 stars; one submission).

Conditions:
GPBAR1-related disorder. Also called: GPBAR1-related condition.

Submission:

PreventionGenetics, part of Exact Sciences
Classification: Uncertain significance for GPBAR1-related condition. Last evaluated: 2025-06-19. Review status: criteria provided, single submitter. Criteria: ACMG Guidelines, 2015. Collection method: clinical testing. Allele origin: germline.
Comment: The GPBAR1 c.883G>A variant is predicted to result in the amino acid substitution p.Ala295Thr. To our knowledge, this variant has not been reported in the literature. This variant is reported in 0.0086% of alleles in individuals of African descent in gnomAD. At this time, the clinical significance of this variant is uncertain due to the absence of conclusive functional and genetic evidence.

NM_170699.3(GPBAR1):c.883G>A (p.Ala295Thr)

Gene: GPBAR1 (G protein-coupled bile acid receptor 1; plus strand). Cytogenetic location: 2q35.
Variant type: single nucleotide variant.
Coding change: c.883G>A on transcript NM_170699.3 (MANE Select); coding-DNA position 883, G replaced by A.
Protein change: p.Ala295Thr; replaces alanine 295 with threonine.
Molecular consequence: missense variant.
Genome position (GRCh38, 1-based): chr2:218,263,607, G>A. VCF-style: chr2-218263607-G-A. GRCh37 (hg19) VCF-style: chr2-219128330-G-A.
Other names: c.883G>A, p.Ala295Thr (NM_001077191.2, NM_001077194.2, NM_001321950.2); short protein forms A295T.
Identifiers: ClinVar variation 4989342 (VCV004989342.1).
Genomic context (GRCh38, chr2:218,263,607, plus strand): 5'-GCAGTGCCCGTAGCCATGGGGCTGGGCGATCAGCGCTACACAGCCCCCTGGAGGGCAGCC[G>A]CCCAAAGGTGCCTGCAGGGGCTGTGGGGAAGAGCCTCCCGGGACAGTCCCGGCCCCAGCA-3'
Protein context (NP_733800.1, residues 285-305): QRYTAPWRAA[Ala295Thr]QRCLQGLWGR